The following is an entry in ClinVar:

ClinVar aggregate classification (germline): Uncertain significance (1 of 4 stars; one submission).

Allele frequency attached by ClinVar (database versions not stated): TOPMed 0.00002; ESP Exome Variant Server 0.00016; gnomAD 0.00002.
gnomAD v4.1: 93 of 1,613,914 alleles (0.0058%); highest among the groups gnomAD compares: Non-Finnish European, 0.007%; no homozygotes.

Submission:

Labcorp Genetics (formerly Invitae), Labcorp
Classification: Uncertain significance. Last evaluated: 2025-06-23. Review status: criteria provided, single submitter. Criteria: Invitae Variant Classification Sherloc (09022015). Collection method: clinical testing. Allele origin: germline.
Comment: This sequence change affects codon 23 of the IL18BP mRNA. It is a 'silent' change, meaning that it does not change the encoded amino acid sequence of the IL18BP protein. The frequency data for this variant in the population databases is considered unreliable, as metrics indicate poor data quality at this position in the gnomAD database. This variant has not been reported in the literature in individuals affected with IL18BP-related conditions. ClinVar contains an entry for this variant (Variation ID: 2890561). Algorithms developed to predict the effect of sequence changes on RNA splicing suggest that this variant may disrupt the consensus splice site. In summary, the available evidence is currently insufficient to determine the role of this variant in disease. Therefore, it has been classified as a Variant of Uncertain Significance.

NM_001039660.2(IL18BP):c.69C>A (p.Val23=)

Gene: IL18BP (interleukin 18 binding protein; plus strand). Cytogenetic location: 11q13.4.
Variant type: single nucleotide variant.
Coding change: c.69C>A on transcript NM_001039660.2 (MANE Select); coding-DNA position 69, C replaced by A.
Protein change: p.Val23=; no amino-acid change (valine 23 retained).
Molecular consequence: synonymous variant.
Genome position (GRCh38, 1-based): chr11:72,000,391, C>A. VCF-style: chr11-72000391-C-A. GRCh37 (hg19) VCF-style: chr11-71711437-C-A.
Other names: c.69C>A, p.Val23= (NM_001039659.2, NM_001145055.1, NM_001145057.1 and 3 more transcripts).
Identifiers: ClinVar variation 2890561 (VCV002890561.3), dbSNP rs373119758, ClinGen allele CA6166101.